The following is an entry in ClinVar:

NM_002730.4(PRKACA):c.352T>A (p.Tyr118Asn)

Gene: PRKACA (protein kinase cAMP-activated catalytic subunit alpha; minus strand). Cytogenetic location: 19p13.12.
Variant type: single nucleotide variant.
Coding change: c.352T>A on transcript NM_002730.4 (MANE Select); coding-DNA position 352, T replaced by A.
Protein change: p.Tyr118Asn; replaces tyrosine 118 with asparagine.
Molecular consequence: missense variant.
Genome position (GRCh38, 1-based): chr19:14,100,893, A>T on the plus strand (T>A on the coding strand, the complement: PRKACA is on the minus strand). VCF-style: chr19-14100893-A-T. GRCh37 (hg19) VCF-style: chr19-14211705-A-T.
Other names: c.580T>A, p.Tyr194Asn (NM_001304349.2); c.328T>A, p.Tyr110Asn (NM_207518.3); short protein forms Y110N, Y118N, Y194N.
Identifiers: ClinVar variation 5005942 (VCV005005942.2).

ClinVar aggregate classification (germline): Uncertain significance (1 of 4 stars; one submission).

Conditions:
Cardioacrofacial dysplasia 1. Identifiers: MedGen C5436885, MONDO:0030876, OMIM 619142.
Pigmented nodular adrenocortical disease, primary, 4 (PPNAD4). Also called: CUSHING SYNDROME, ADRENAL, DUE TO PPNAD4; CHROMOSOME 19p13 DUPLICATION SYNDROME. Identifiers: Orphanet 189439, MedGen C4014425, MONDO:0014359, OMIM 615830.

Submission:

Juno Genomics, Hangzhou Juno Genomics, Inc
Classification: Uncertain significance for Cardioacrofacial dysplasia 1; Pigmented nodular adrenocortical disease, primary, 4. Review status: criteria provided, single submitter. Criteria: ACMG Guidelines, 2015. Collection method: clinical testing. Allele origin: germline.
Comment: Absent from controls (or at extremely low frequency if recessive) in Genome Aggregation Database.;Missense variant in a gene that has a low rate of benign missense variation.